The following is an entry in ClinVar:

ClinVar aggregate classification (germline): Pathogenic/Likely pathogenic. Review status: criteria provided, multiple submitters, no conflicts (2 of 4 stars). 9 submissions from 9 submitters: Pathogenic (3); Likely pathogenic (3). 3 of the submissions do not count toward it. Last evaluated 2026-08-21.

Conditions:
Usher syndrome type 2. Also called: Usher Syndrome Type II. Identifiers: Orphanet 231178, MedGen C0339534, MONDO:0016484.
Retinal dystrophy. Also called: Inherited retinal dystrophy. Identifiers: Orphanet 71862, MedGen C0854723, MeSH D058499, MONDO:0019118, HP:0000556.
Usher syndrome type 2A. Also called: USHER SYNDROME, TYPE IIA; RETINAL DISEASE IN USHER SYNDROME TYPE IIA, MODIFIER OF. Identifiers: Orphanet 231178, Orphanet 886, MedGen C1848634, MONDO:0010169, OMIM 276901.
Retinitis pigmentosa 39 (RP39). Identifiers: Orphanet 791, MedGen C3151138, MONDO:0013436, OMIM 613809.
USH2A-related disorder. Also called: USH2A-related disorders; USH2A-related condition. Identifiers: MedGen CN239332.

Allele frequency attached by ClinVar (database versions not stated): ExAC 0.00001; gnomAD 0.00001 and 0.00002; TOPMed 0.00001; gnomAD exomes 0.00002.
gnomAD v4.1: 13 of 1,613,776 alleles (0.00081%); highest among the groups gnomAD compares: African/African-American, 0.0053%; no homozygotes.

Submissions (9):

Myriad Genetics, Inc.
Classification: Likely pathogenic for USH2A-related disorder. Last evaluated: 2026-08-21. Review status: criteria provided, single submitter. Criteria: Myriad Autosomal Dominant, Autosomal Recessive and X-Linked Classification Criteria (2023). Collection method: clinical testing. Allele origin: unknown.
Comment: NM_206933.2(USH2A):c.1001G>A(R334Q) is a missense variant classified as likely pathogenic in the context of USH2A-related disorders. R334Q has been observed in cases with relevant disease (PMID: 37466950, 38219857, 27344577, 17405132, 29625443, 31964843, 31456290, Nespeca(Thesis)). Relevant functional assessments of this variant are not available in the literature. R334Q has been observed in referenced population frequency databases. In summary, NM_206933.2(USH2A):c.1001G>A(R334Q) is a missense variant that has been observed more frequently in cases with the relevant disease than in healthy populations. Please note: this variant was assessed in the context of healthy population screening.

Labcorp Genetics (formerly Invitae), Labcorp
Classification: Pathogenic. Last evaluated: 2025-08-21. Review status: criteria provided, single submitter. Criteria: Invitae Variant Classification Sherloc (09022015). Collection method: clinical testing. Allele origin: germline.
Comment: This sequence change replaces arginine, which is basic and polar, with glutamine, which is neutral and polar, at codon 334 of the USH2A protein (p.Arg334Gln). This variant is present in population databases (rs758303489, gnomAD 0.006%). This missense change has been observed in individual(s) with clinical features of Usher syndrome or retinitis pigmentosa (PMID: 17405132, 27344577, 29625443; internal data). In at least one individual the data is consistent with being in trans (on the opposite chromosome) from a pathogenic variant. ClinVar contains an entry for this variant (Variation ID: 552304). Invitae Evidence Modeling of protein sequence and biophysical properties (such as structural, functional, and spatial information, amino acid conservation, physicochemical variation, residue mobility, and thermodynamic stability) has been performed for this missense variant. However, the output from this modeling did not meet the statistical confidence thresholds required to predict the impact of this variant on USH2A protein function. This variant disrupts the p.Arg334 amino acid residue in USH2A. Other variant(s) that disrupt this residue have been determined to be pathogenic (PMID: 10909849, 15025721, 17405132, 18452394, 19683999, 28894305). This suggests that this residue is clinically significant, and that variants that disrupt this residue are likely to be disease-causing. For these reasons, this variant has been classified as Pathogenic.

Baylor Genetics
Classification: Likely pathogenic for Retinitis pigmentosa 39. Last evaluated: 2023-10-09. Review status: criteria provided, single submitter. Criteria: ACMG Guidelines, 2015. Collection method: clinical testing. Allele origin: unknown.

Mendelics
Classification: Pathogenic for Usher syndrome type 2A. Last evaluated: 2022-05-04. Review status: criteria provided, single submitter. Criteria: Mendelics Assertion Criteria 2019. Collection method: clinical testing. Allele origin: germline.

Institute of Human Genetics, Univ. Regensburg, Univ. Regensburg
Classification: Likely pathogenic for Retinal dystrophy. Last evaluated: 2022-01-01. Review status: criteria provided, single submitter. Criteria: ACMG Guidelines, 2015. Collection method: clinical testing. Allele origin: germline. Affected: yes.

Blueprint Genetics
Classification: Pathogenic for USH2A-related disorders. Last evaluated: 2020-12-04. Review status: criteria provided, single submitter. Criteria: ACMG Guidelines, 2015. Collection method: clinical testing. Allele origin: germline. Affected: yes. Observed: 2 variant alleles.

Natera, Inc.
Classification: Pathogenic for Usher syndrome type 2A. Last evaluated: 2021-08-24. Review status: no assertion criteria provided. Collection method: clinical testing. Allele origin: germline. Not counted in ClinVar's aggregate classification.

Sharon lab, Hadassah-Hebrew University Medical Center
Classification: Pathogenic for Usher syndrome type 2. Last evaluated: 2019-06-23. Review status: no assertion criteria provided. Collection method: research. Allele origin: inherited. Affected: yes. Not counted in ClinVar's aggregate classification.

Counsyl
Classification: Uncertain significance for Usher syndrome type 2A; Retinitis pigmentosa 39. Last evaluated: 2017-06-02. Review status: flagged submission. Collection method: clinical testing. Allele origin: unknown. Not counted in ClinVar's aggregate classification.
ClinVar note: Reason: Older and outlier claim with insufficient supporting evidence

Literature cited by the submitters: PubMed 17405132 (cited by 3 submitters); PubMed 27344577 (cited by 3 submitters); PubMed 29625443 (cited by Labcorp Genetics (formerly Invitae), Labcorp and Institute of Human Genetics, Univ. Regensburg, Univ. Regensburg); PubMed 10909849 (cited by Labcorp Genetics (formerly Invitae), Labcorp); PubMed 15025721 (cited by Labcorp Genetics (formerly Invitae), Labcorp); PubMed 18452394 (cited by Labcorp Genetics (formerly Invitae), Labcorp); PubMed 19683999 (cited by Labcorp Genetics (formerly Invitae), Labcorp); PubMed 28894305 (cited by Labcorp Genetics (formerly Invitae), Labcorp); PubMed 31964843 (cited by Institute of Human Genetics, Univ. Regensburg, Univ. Regensburg); PubMed 31456290 (cited by Institute of Human Genetics, Univ. Regensburg, Univ. Regensburg).

NM_206933.4(USH2A):c.1001G>A (p.Arg334Gln)

Gene: USH2A (usherin; minus strand). Cytogenetic location: 1q41.
Variant type: single nucleotide variant.
Coding change: c.1001G>A on transcript NM_206933.4 (MANE Select); coding-DNA position 1001, G replaced by A.
Protein change: p.Arg334Gln; replaces arginine 334 with glutamine.
Molecular consequence: missense variant.
Genome position (GRCh38, 1-based): chr1:216,325,447, C>T on the plus strand (G>A on the coding strand, the complement: USH2A is on the minus strand). VCF-style: chr1-216325447-C-T. GRCh37 (hg19) VCF-style: chr1-216498789-C-T.
Other names: c.1001G>A, p.Arg334Gln (NM_007123.6); short protein forms R334Q.
Identifiers: ClinVar variation 552304 (VCV000552304.17), dbSNP rs758303489, ClinGen allele CA1396624.